The following is an entry in ClinVar:

ClinVar aggregate classification (germline): Benign/Likely benign. Review status: criteria provided, multiple submitters, no conflicts (2 of 4 stars). 7 submissions from 4 submitters: Benign (4); Likely benign (3). Last evaluated 2025-10-25.

Conditions:
Sensory ataxic neuropathy, dysarthria, and ophthalmoparesis (SANDO). Also called: Ataxia Neuropathy Spectrum (ANS); Epilepsy, progressive myoclonic, type 5; SENSORY ATAXIC NEUROPATHY WITH MITOCHONDRIAL DNA DELETIONS, AUTOSOMAL RECESSIVE; Sensory ataxic neuropathy-dysarthria-ophthalmoparesis syndrome. Identifiers: Orphanet 70595, MedGen C1843851, MONDO:0011835, OMIM 607459.
Progressive external ophthalmoplegia with mitochondrial DNA deletions, autosomal dominant 3. Also called: PROGRESSIVE EXTERNAL OPHTHALMOPLEGIA, AUTOSOMAL DOMINANT 3. Identifiers: MedGen C1836439, MONDO:0012241, OMIM 609286.
Infantile onset spinocerebellar ataxia (MTDPS7). Also called: OHAHA SYNDROME; Mitochondrial DNA depletion syndrome 7 (hepatocerebral type); SPINOCEREBELLAR ATAXIA, INFANTILE, WITH SENSORY NEUROPATHY; OPHTHALMOPLEGIA, HYPOTONIA, ATAXIA, HYPOACUSIS, AND ATHETOSIS. Identifiers: Orphanet 1186, MedGen C1849096, MONDO:0010060, OMIM 271245.
Autosomal recessive cerebellar ataxia. Also called: Spinocerebellar Ataxia, Recessive; Spinocerebellar ataxia, autosomal recessive. Identifiers: Orphanet 1172, MedGen C5575375, MONDO:0015244.
TWNK-related disorder. Also called: TWNK-related condition.

Allele frequency attached by ClinVar (database versions not stated): gnomAD exomes 0.00013 and 0.00063; gnomAD 0.00028 and 0.00030; 1000 Genomes Project 30x 0.00031; TOPMed 0.00033; 1000 Genomes Project 0.00040; ExAC 0.00062.
gnomAD v4.1: 238 of 1,614,184 alleles (0.015%); highest among the groups gnomAD compares: East Asian, 0.47%; no homozygotes.

Submissions (7):

Labcorp Genetics (formerly Invitae), Labcorp
Classification: Benign. Last evaluated: 2025-10-25. Review status: criteria provided, single submitter. Criteria: Invitae Variant Classification Sherloc (09022015). Collection method: clinical testing. Allele origin: germline.

PreventionGenetics, part of Exact Sciences
Classification: Benign for TWNK-related condition. Last evaluated: 2025-04-29. Review status: criteria provided, single submitter. Criteria: ACMG Guidelines, 2015. Collection method: clinical testing. Allele origin: germline.
Comment: This variant is classified as benign based on ACMG/AMP sequence variant interpretation guidelines (Richards et al. 2015 PMID: 25741868, with internal and published modifications).

Blueprint Genetics
Classification: Likely benign. Last evaluated: 2024-10-02. Review status: criteria provided, single submitter. Criteria: ACMG Guidelines, 2015. Collection method: clinical testing. Allele origin: germline.

Illumina Laboratory Services, Illumina
Classification: Benign for Progressive external ophthalmoplegia with mitochondrial DNA deletions, autosomal dominant 3. Last evaluated: 2018-01-13. Review status: criteria provided, single submitter. Criteria: ICSL Variant Classification Criteria 13 December 2019. Collection method: clinical testing. Allele origin: germline.
Comment: This variant was observed in the ICSL laboratory as part of a predisposition screen in an ostensibly healthy population. It had not been previously curated by ICSL or reported in the Human Gene Mutation Database (HGMD: prior to June 1st, 2018), and was therefore a candidate for classification through an automated scoring system. Utilizing variant allele frequency, disease prevalence and penetrance estimates, and inheritance mode, an automated score was calculated to assess if this variant is too frequent to cause the disease. Based on the score and internal cut-off values, a variant classified as benign is not then subjected to further curation. The score for this variant resulted in a classification of benign for this disease.

Illumina Laboratory Services, Illumina
Classification: Likely benign for Infantile onset spinocerebellar ataxia. Last evaluated: 2018-01-13. Review status: criteria provided, single submitter. Criteria: ICSL Variant Classification Criteria 13 December 2019. Collection method: clinical testing. Allele origin: germline.
Comment: This variant was observed in the ICSL laboratory as part of a predisposition screen in an ostensibly healthy population. It had not been previously curated by ICSL or reported in the Human Gene Mutation Database (HGMD: prior to June 1st, 2018), and was therefore a candidate for classification through an automated scoring system. Utilizing variant allele frequency, disease prevalence and penetrance estimates, and inheritance mode, an automated score was calculated to assess if this variant is too frequent to cause the disease. Based on the score and internal cut-off values, a variant classified as likely benign is not then subjected to further curation. The score for this variant resulted in a classification of likely benign for this disease.

Illumina Laboratory Services, Illumina
Classification: Likely benign for Autosomal recessive cerebellar ataxia. Last evaluated: 2018-01-13. Review status: criteria provided, single submitter. Criteria: ICSL Variant Classification Criteria 13 December 2019. Collection method: clinical testing. Allele origin: germline.
Comment: the same text as in the submission from Illumina Laboratory Services, Illumina above.

Illumina Laboratory Services, Illumina
Classification: Benign for Sensory ataxic neuropathy-dysarthria-ophthalmoparesis syndrome. Last evaluated: 2018-01-13. Review status: criteria provided, single submitter. Criteria: ICSL Variant Classification Criteria 13 December 2019. Collection method: clinical testing. Allele origin: germline.
Comment: the same text as in the submission from Illumina Laboratory Services, Illumina above.

NM_021830.5(TWNK):c.1527C>T (p.Asp509=)

Gene: TWNK (twinkle mtDNA helicase; plus strand). Cytogenetic location: 10q24.31.
Variant type: single nucleotide variant.
Coding change: c.1527C>T on transcript NM_021830.5 (MANE Select); coding-DNA position 1527, C replaced by T.
Protein change: p.Asp509=; no amino-acid change (aspartic acid 509 retained).
Molecular consequence: synonymous variant. On other transcripts: non-coding transcript variant (5).
Genome position (GRCh38, 1-based): chr10:100,990,478, C>T. VCF-style: chr10-100990478-C-T. GRCh37 (hg19) VCF-style: chr10-102750235-C-T.
Other names: c.1527C>T, p.Asp509= (NM_001163812.2); c.165C>T, p.Asp55= (NM_001163813.2, NM_001163814.2, NM_001368275.1).
Identifiers: ClinVar variation 298503 (VCV000298503.14), dbSNP rs62626272, ClinGen allele CA5653262.